The following is an entry in ClinVar:

ClinVar aggregate classification (germline): Uncertain significance (1 of 4 stars; one submission).

Submission:

Ambry Genetics
Classification: Uncertain significance. Last evaluated: 2022-11-23. Review status: criteria provided, single submitter. Criteria: Ambry Variant Classification Scheme 2023. Collection method: clinical testing. Allele origin: germline.
Comment: The p.G3861C variant (also known as c.11581G>T), located in coding exon 82 of the PRKDC gene, results from a G to T substitution at nucleotide position 11581. The glycine at codon 3861 is replaced by cysteine, an amino acid with highly dissimilar properties. This amino acid position is conserved. In addition, this alteration is predicted to be tolerated by in silico analysis. Since supporting evidence is limited at this time, the clinical significance of this alteration remains unclear.

NM_006904.7(PRKDC):c.11581G>T (p.Gly3861Cys)

Gene: PRKDC (protein kinase, DNA-activated, catalytic subunit; minus strand). Cytogenetic location: 8q11.21.
Variant type: single nucleotide variant.
Coding change: c.11581G>T on transcript NM_006904.7 (MANE Select); coding-DNA position 11581, G replaced by T.
Protein change: p.Gly3861Cys; replaces glycine 3861 with cysteine.
Molecular consequence: missense variant.
Genome position (GRCh38, 1-based): chr8:47,778,798, C>A on the plus strand (G>T on the coding strand, the complement: PRKDC is on the minus strand). VCF-style: chr8-47778798-C-A. GRCh37 (hg19) VCF-style: chr8-48691359-C-A.
Other names: c.11488G>T, p.Gly3830Cys (NM_001081640.2); short protein forms G3830C, G3861C.
Identifiers: ClinVar variation 2453236 (VCV002453236.2), dbSNP rs2551859963, ClinGen allele CA371129018.